The following is an entry in ClinVar:

NM_001122769.3(LCA5):c.*223A>G

Gene: LCA5 (lebercilin LCA5; minus strand). Cytogenetic location: 6q14.1.
Variant type: single nucleotide variant.
Coding change: c.*223A>G on transcript NM_001122769.3 (MANE Select); 223 bases downstream of the stop codon, A replaced by G.
Molecular consequence: 3 prime UTR variant.
Genome position (GRCh38, 1-based): chr6:79,486,781, T>C on the plus strand (A>G on the coding strand, the complement: LCA5 is on the minus strand). VCF-style: chr6-79486781-T-C. GRCh37 (hg19) VCF-style: chr6-80196498-T-C.
Other names: c.*223A>G (NM_181714.4).
Identifiers: ClinVar variation 358085 (VCV000358085.8), dbSNP rs2292109, ClinGen allele CA10627663.

ClinVar aggregate classification (germline): Benign. Review status: criteria provided, multiple submitters, no conflicts (2 of 4 stars). 2 submissions from 2 submitters: Benign (2). Last evaluated 2021-07-10.

Conditions:
Leber congenital amaurosis 5 (LCA5). Also called: Amaurosis congenita of Leber, type 5. Identifiers: Orphanet 65, MedGen C1858301, MONDO:0011473, OMIM 604537.

Allele frequency attached by ClinVar (database versions not stated): gnomAD 0.45638; TOPMed 0.47571; 1000 Genomes Project 30x 0.55981; 1000 Genomes Project 0.56470.
gnomAD v4.1: 194,065 of 453,132 alleles (43%); highest among the groups gnomAD compares: East Asian, 82%; 45,540 homozygotes.

Submissions (2):

Genome-Nilou Lab
Classification: Benign for Leber congenital amaurosis 5. Last evaluated: 2021-07-10. Review status: criteria provided, single submitter. Criteria: ACMG Guidelines, 2015. Collection method: clinical testing. Allele origin: germline. Affected: no.

Illumina Laboratory Services, Illumina
Classification: Benign for Leber congenital amaurosis 5. Last evaluated: 2018-01-12. Review status: criteria provided, single submitter. Criteria: ICSL Variant Classification Criteria 13 December 2019. Collection method: clinical testing. Allele origin: germline.
Comment: This variant was observed in the ICSL laboratory as part of a predisposition screen in an ostensibly healthy population. It had not been previously curated by ICSL or reported in the Human Gene Mutation Database (HGMD: prior to June 1st, 2018), and was therefore a candidate for classification through an automated scoring system. Utilizing variant allele frequency, disease prevalence and penetrance estimates, and inheritance mode, an automated score was calculated to assess if this variant is too frequent to cause the disease. Based on the score and internal cut-off values, a variant classified as benign is not then subjected to further curation. The score for this variant resulted in a classification of benign for this disease.